The following is an entry in ClinVar:

NM_004519.4(KCNQ3):c.1685dup (p.Tyr563fs)

Gene: KCNQ3 (potassium voltage-gated channel subfamily Q member 3; minus strand). Cytogenetic location: 8q24.22.
Variant type: Duplication.
Coding change: c.1685dup on transcript NM_004519.4 (MANE Select); coding-DNA position 1685, one base duplicated (A; older notation c.1685dupA).
Protein change: p.Tyr563fs; shifts the reading frame from tyrosine 563.
Molecular consequence: frameshift variant.
Genome position (GRCh38, 1-based): chr8:132,137,900, T duplicated on the plus strand (A on the coding strand, the reverse complement: KCNQ3 is on the minus strand); the first of 3 consecutive T bases (chr8:132,137,900-132,137,902); duplicating any one gives the same sequence. VCF-style (leftmost placement, unchanged base first): chr8-132137899-C-CT. GRCh37 (hg19) VCF-style: chr8-133150146-C-CT.
Other names: c.1685dupA (NM_004519.3); c.1325dup, p.Tyr443fs (NM_001204824.2); short protein forms Y563fs, Y443fs.
Identifiers: ClinVar variation 566195 (VCV000566195.6), dbSNP rs1563767053, ClinGen allele CA891842849.
Genomic context (GRCh38, chr8:132,137,899, plus strand): 5'-TAGGGCTTTGAGGGGAGCGCAGTCCCTCCAGATGTGACTGTCTCACCTCGTCTGAAGGTA[C>CT]TTTATCCTGGAAAGCATGTCGAGATGCCCGGCAGAATACTGCTCAATCACATCCTTCACA-3'

ClinVar aggregate classification (germline): Pathogenic (1 of 4 stars; one submission).

Conditions:
Benign neonatal seizures. Also called: Benign familial neonatal seizures; Benign neonatal familial convulsions; Benign familial neonatal epilepsy; Convulsions benign familial neonatal dominant form; Autosomal dominant form of benign neonatal seizures. Identifiers: Orphanet 1949, MedGen C0220669, MONDO:0016027.

Submission:

Labcorp Genetics (formerly Invitae), Labcorp
Classification: Pathogenic for Benign neonatal seizures. Last evaluated: 2023-03-01. Review status: criteria provided, single submitter. Criteria: Invitae Variant Classification Sherloc (09022015). Collection method: clinical testing. Allele origin: germline.
Comment: This sequence change creates a premature translational stop signal (p.Tyr563Valfs*40) in the KCNQ3 gene. It is expected to result in an absent or disrupted protein product. Loss-of-function variants in KCNQ3 are known to be pathogenic (PMID: 29383681, 29852413). This variant is not present in population databases (gnomAD no frequency). This variant has not been reported in the literature in individuals affected with KCNQ3-related conditions. ClinVar contains an entry for this variant (Variation ID: 566195). For these reasons, this variant has been classified as Pathogenic.

Literature cited by the submitters: PubMed 29383681; PubMed 29852413.